The following is an entry in ClinVar:

NM_000540.3(RYR1):c.1926-9C>T

Gene: RYR1 (ryanodine receptor 1; plus strand). Cytogenetic location: 19q13.2.
Variant type: single nucleotide variant.
Coding change: c.1926-9C>T on transcript NM_000540.3 (MANE Select); 9 bases into the intron before coding-DNA position 1926, C replaced by T.
Molecular consequence: intron variant.
Genome position (GRCh38, 1-based): chr19:38,458,042, C>T. VCF-style: chr19-38458042-C-T. GRCh37 (hg19) VCF-style: chr19-38948682-C-T.
Other names: c.1926-9C>T (NM_001042723.2).
Identifiers: ClinVar variation 1639006 (VCV001639006.9), dbSNP rs374960200, ClinGen allele CA062677.

ClinVar aggregate classification (germline): Likely benign. Review status: criteria provided, multiple submitters, no conflicts (2 of 4 stars). 2 submissions from 2 submitters: Likely benign (2). Last evaluated 2024-08-30.

Conditions:
RYR1-related disorder. Also called: RYR1-related condition; RYR1-related disorders. Identifiers: MedGen CN239331.
Malignant hyperthermia, susceptibility to, 1 (MHS1). Also called: Malignant hyperthermia suceptibility 1; Anesthesia related hyperthermia; Malignant hyperpyrexia; Fulminating hyperpyrexia; Pharmacogenic myopathy; RYR1-Related Malignant Hyperthermia Susceptibility. Identifiers: Orphanet 423, MedGen C2930980, MONDO:0007783, OMIM 145600.

Allele frequency attached by ClinVar (database versions not stated): gnomAD exomes below 0.00001; ExAC 0.00001; gnomAD 0.00001; TOPMed 0.00001; ESP Exome Variant Server 0.00008.
gnomAD v4.1: 6 of 1,613,144 alleles (0.00037%); highest among the groups gnomAD compares: Middle Eastern, 0.017%; no homozygotes.

Submissions (2):

Labcorp Genetics (formerly Invitae), Labcorp
Classification: Likely benign for RYR1-related disorder. Last evaluated: 2024-08-30. Review status: criteria provided, single submitter. Criteria: Invitae Variant Classification Sherloc (09022015). Collection method: clinical testing. Allele origin: germline.

All of Us Research Program, National Institutes of Health
Classification: Likely benign for Malignant hyperthermia, susceptibility to, 1. Last evaluated: 2024-05-14. Review status: criteria provided, single submitter. Criteria: ACMG Guidelines, 2015. Collection method: clinical testing. Allele origin: germline. Inheritance: Autosomal dominant inheritance. Observed: 1 variant allele, 1 heterozygote.
Comment: This study involves interpretation of variants in research participants for the purpose of population health screening. Participant phenotype was not available at the time of variant classification. Additional details can be found in publication PMID: 35346344, PMCID: PMC8962531